The following is an entry in ClinVar:

ClinVar aggregate classification (germline): Uncertain significance. Review status: criteria provided, multiple submitters, no conflicts (2 of 4 stars). 2 submissions from 2 submitters: Uncertain significance (2). Last evaluated 2023-05-02.

Conditions:
Hereditary cancer-predisposing syndrome. Also called: Hereditary Cancer Syndrome; Hereditary neoplastic syndrome; Neoplastic Syndromes, Hereditary; Tumor predisposition. Identifiers: Orphanet 140162, MedGen C0027672, MeSH D009386, MONDO:0015356.
Familial adenomatous polyposis 1 (FAP1). Also called: FAMILIAL ADENOMATOUS POLYPOSIS 1, ATTENUATED; POLYPOSIS, ADENOMATOUS INTESTINAL. Identifiers: MedGen C2713442, MONDO:0021056, OMIM 175100. Disease mechanism: loss of function.

Submissions (2):

Labcorp Genetics (formerly Invitae), Labcorp
Classification: Uncertain significance for Familial adenomatous polyposis 1. Last evaluated: 2023-05-02. Review status: criteria provided, single submitter. Criteria: Invitae Variant Classification Sherloc (09022015). Collection method: clinical testing. Allele origin: germline.
Comment: In summary, the available evidence is currently insufficient to determine the role of this variant in disease. Therefore, it has been classified as a Variant of Uncertain Significance. ClinVar contains an entry for this variant (Variation ID: 1749332). Advanced modeling of protein sequence and biophysical properties (such as structural, functional, and spatial information, amino acid conservation, physicochemical variation, residue mobility, and thermodynamic stability) performed at Invitae indicates that this missense variant is not expected to disrupt APC protein function. This sequence change replaces glutamine, which is neutral and polar, with lysine, which is basic and polar, at codon 1911 of the APC protein (p.Gln1911Lys). This variant is not present in population databases (gnomAD no frequency). This variant has not been reported in the literature in individuals affected with APC-related conditions.

Ambry Genetics
Classification: Uncertain significance for Hereditary cancer-predisposing syndrome. Last evaluated: 2016-06-09. Review status: criteria provided, single submitter. Criteria: Ambry Variant Classification Scheme 2023. Collection method: clinical testing. Allele origin: germline.
Comment: The p.Q1911K variant (also known as c.5731C>A), located in coding exon 15 of the APC gene, results from a C to A substitution at nucleotide position 5731. The glutamine at codon 1911 is replaced by lysine, an amino acid with similar properties. This variant was not reported in population based cohorts in the following databases: Database of Single Nucleotide Polymorphisms (dbSNP), NHLBI Exome Sequencing Project (ESP), and 1000 Genomes Project. In the ESP, this variant was not observed in 6502 samples (13004 alleles) with coverage at this position. To date, this alteration has been detected with an allele frequency of approximately 0.001% (greater than 90000 alleles tested) in our clinical cohort. This amino acid position is well conserved in available vertebrate species. In addition, in silico predictors for this gene do not accurately predict pathogenicity. Since supporting evidence is limited at this time, the clinical significance of this alteration remains unclear.

NM_000038.6(APC):c.5731C>A (p.Gln1911Lys)

Gene: APC (APC regulator of Wnt signaling pathway; plus strand). Cytogenetic location: 5q22.2.
Variant type: single nucleotide variant.
Coding change: c.5731C>A on transcript NM_000038.6 (MANE Select); coding-DNA position 5731, C replaced by A.
Protein change: p.Gln1911Lys; replaces glutamine 1911 with lysine.
Molecular consequence: missense variant.
Genome position (GRCh38, 1-based): chr5:112,841,325, C>A. VCF-style: chr5-112841325-C-A. GRCh37 (hg19) VCF-style: chr5-112177022-C-A.
Other names: c.5731C>A, p.Gln1911Lys (NM_001127510.3, NM_001354895.2, NM_001407450.1); c.5677C>A, p.Gln1893Lys (NM_001127511.3); c.5785C>A, p.Gln1929Lys (NM_001354896.2, NM_001407447.1, NM_001407448.1 and 1 more transcripts); c.5761C>A, p.Gln1921Lys (NM_001354897.2); c.5656C>A, p.Gln1886Lys (NM_001354898.2); c.5647C>A, p.Gln1883Lys (NM_001354899.2); c.5608C>A, p.Gln1870Lys (NM_001354900.2); c.5554C>A, p.Gln1852Lys (NM_001354901.2, NM_001407453.1); and 11 more; short protein forms Q1527K, Q1751K, Q1901K, Q1904K, Q1911K, Q1921K, Q1785K, Q1852K.
Identifiers: ClinVar variation 1749332 (VCV001749332.7), dbSNP rs2149947699, ClinGen allele CA16033876.